The following is an entry in ClinVar:

NM_005188.4(CBL):c.2323G>A (p.Asp775Asn)

Gene: CBL (Cbl proto-oncogene; plus strand). Cytogenetic location: 11q23.3.
Variant type: single nucleotide variant.
Coding change: c.2323G>A on transcript NM_005188.4 (MANE Select); coding-DNA position 2323, G replaced by A.
Protein change: p.Asp775Asn; replaces aspartic acid 775 with asparagine.
Molecular consequence: missense variant.
Genome position (GRCh38, 1-based): chr11:119,298,429, G>A. VCF-style: chr11-119298429-G-A. GRCh37 (hg19) VCF-style: chr11-119169139-G-A.
Other names: short protein forms D775N.
Identifiers: ClinVar variation 3683404 (VCV003683404.2).

ClinVar aggregate classification (germline): Uncertain significance (1 of 4 stars; one submission).

Conditions:
RASopathy. Also called: Noonan spectrum disorder; rasopathies. Identifiers: Orphanet 536391, MedGen C5555857, MONDO:0021060.

Submission:

Labcorp Genetics (formerly Invitae), Labcorp
Classification: Uncertain significance for RASopathy. Last evaluated: 2024-09-18. Review status: criteria provided, single submitter. Criteria: Invitae Variant Classification Sherloc (09022015). Collection method: clinical testing. Allele origin: germline.
Comment: This sequence change replaces aspartic acid, which is acidic and polar, with asparagine, which is neutral and polar, at codon 775 of the CBL protein (p.Asp775Asn). This variant is not present in population databases (gnomAD no frequency). This variant has not been reported in the literature in individuals affected with CBL-related conditions. Invitae Evidence Modeling of protein sequence and biophysical properties (such as structural, functional, and spatial information, amino acid conservation, physicochemical variation, residue mobility, and thermodynamic stability) indicates that this missense variant is not expected to disrupt CBL protein function with a negative predictive value of 95%. In summary, the available evidence is currently insufficient to determine the role of this variant in disease. Therefore, it has been classified as a Variant of Uncertain Significance.